The following is an entry in ClinVar:

NM_017617.5(NOTCH1):c.6598G>A (p.Val2200Met)

Gene: NOTCH1 (notch receptor 1; minus strand). Cytogenetic location: 9q34.3.
Variant type: single nucleotide variant.
Coding change: c.6598G>A on transcript NM_017617.5 (MANE Select); coding-DNA position 6598, G replaced by A.
Protein change: p.Val2200Met; replaces valine 2200 with methionine.
Molecular consequence: missense variant.
Genome position (GRCh38, 1-based): chr9:136,497,141, C>T on the plus strand (G>A on the coding strand, the complement: NOTCH1 is on the minus strand). VCF-style: chr9-136497141-C-T. GRCh37 (hg19) VCF-style: chr9-139391593-C-T.
Other names: short protein forms V2200M.
Identifiers: ClinVar variation 1996375 (VCV001996375.4), dbSNP rs1462371500, ClinGen allele CA375631118.

ClinVar aggregate classification (germline): Uncertain significance (1 of 4 stars; one submission).

Conditions:
Adams-Oliver syndrome 5 (AOS5). Identifiers: Orphanet 974, MedGen C4014970, MONDO:0014459, OMIM 616028.

Allele frequency attached by ClinVar (database versions not stated): TOPMed below 0.00001.
gnomAD v4.1: 7 of 1,612,636 alleles (0.00043%); highest among the groups gnomAD compares: Non-Finnish European, 0.00059%; no homozygotes.

Submission:

Labcorp Genetics (formerly Invitae), Labcorp
Classification: Uncertain significance for Adams-Oliver syndrome 5. Last evaluated: 2022-05-12. Review status: criteria provided, single submitter. Criteria: Invitae Variant Classification Sherloc (09022015). Collection method: clinical testing. Allele origin: germline.
Comment: In summary, the available evidence is currently insufficient to determine the role of this variant in disease. Therefore, it has been classified as a Variant of Uncertain Significance. Advanced modeling of protein sequence and biophysical properties (such as structural, functional, and spatial information, amino acid conservation, physicochemical variation, residue mobility, and thermodynamic stability) performed at Invitae indicates that this missense variant is not expected to disrupt NOTCH1 protein function. This variant has not been reported in the literature in individuals affected with NOTCH1-related conditions. This variant is not present in population databases (gnomAD no frequency). This sequence change replaces valine, which is neutral and non-polar, with methionine, which is neutral and non-polar, at codon 2200 of the NOTCH1 protein (p.Val2200Met).